The following is an entry in ClinVar:

ClinVar aggregate classification (germline): Uncertain significance (1 of 4 stars; one submission).

Submission:

Labcorp Genetics (formerly Invitae), Labcorp
Classification: Uncertain significance. Last evaluated: 2024-04-08. Review status: criteria provided, single submitter. Criteria: Invitae Variant Classification Sherloc (09022015). Collection method: clinical testing. Allele origin: germline.
Comment: This sequence change replaces lysine, which is basic and polar, with asparagine, which is neutral and polar, at codon 279 of the MYH3 protein (p.Lys279Asn). This variant is not present in population databases (gnomAD no frequency). This variant has not been reported in the literature in individuals affected with MYH3-related conditions. Advanced modeling of protein sequence and biophysical properties (such as structural, functional, and spatial information, amino acid conservation, physicochemical variation, residue mobility, and thermodynamic stability) performed at Invitae indicates that this missense variant is not expected to disrupt MYH3 protein function with a negative predictive value of 95%. In summary, the available evidence is currently insufficient to determine the role of this variant in disease. Therefore, it has been classified as a Variant of Uncertain Significance.

NM_002470.4(MYH3):c.837G>C (p.Lys279Asn)

Gene: MYH3 (myosin heavy chain 3; minus strand). Cytogenetic location: 17p13.1.
Variant type: single nucleotide variant.
Coding change: c.837G>C on transcript NM_002470.4 (MANE Select); coding-DNA position 837, G replaced by C.
Protein change: p.Lys279Asn; replaces lysine 279 with asparagine.
Molecular consequence: missense variant.
Genome position (GRCh38, 1-based): chr17:10,647,243, C>G on the plus strand (G>C on the coding strand, the complement: MYH3 is on the minus strand). VCF-style: chr17-10647243-C-G. GRCh37 (hg19) VCF-style: chr17-10550560-C-G.
Other names: short protein forms K279N.
Identifiers: ClinVar variation 3634459 (VCV003634459.2).